The following is an entry in ClinVar:

NM_000051.4(ATM):c.2931T>G (p.Cys977Trp)

Gene: ATM (ATM serine/threonine kinase; plus strand). Cytogenetic location: 11q22.3.
Variant type: single nucleotide variant.
Coding change: c.2931T>G on transcript NM_000051.4 (MANE Select); coding-DNA position 2931, T replaced by G.
Protein change: p.Cys977Trp; replaces cysteine 977 with tryptophan.
Molecular consequence: missense variant.
Genome position (GRCh38, 1-based): chr11:108,271,260, T>G. VCF-style: chr11-108271260-T-G. GRCh37 (hg19) VCF-style: chr11-108141987-T-G.
Other names: c.2931T>G, p.Cys977Trp (NM_001351834.2); short protein forms C977W.
Identifiers: ClinVar variation 2808813 (VCV002808813.4), dbSNP rs2135551532, ClinGen allele CA382547105.

ClinVar aggregate classification (germline): Uncertain significance. Review status: criteria provided, multiple submitters, no conflicts (2 of 4 stars). 2 submissions from 2 submitters: Uncertain significance (2). Last evaluated 2023-11-22.

Conditions:
Ataxia-telangiectasia syndrome (AT). Also called: Ataxia-telangiectasia, complementation group E; ATAXIA-TELANGIECTASIA, COMPLEMENTATION GROUP A; ATAXIA-TELANGIECTASIA, FRESNO VARIANT; Ataxia-telangiectasia; LOUIS-BAR SYNDROME; Ataxia-telangiectasia, complementation group D. Identifiers: Orphanet 100, MedGen C0004135, MONDO:0008840, OMIM 208900.
Familial cancer of breast. Also called: BREAST CANCER, FAMILIAL; Hereditary breast cancer; hereditary breast carcinoma. Identifiers: Orphanet 227535, MedGen C0346153, MONDO:0016419, OMIM 114480. Disease mechanism: loss of function.

Submissions (2):

Baylor Genetics
Classification: Uncertain significance for Familial cancer of breast. Last evaluated: 2023-11-22. Review status: criteria provided, single submitter. Criteria: ACMG Guidelines, 2015. Collection method: clinical testing. Allele origin: unknown.

Labcorp Genetics (formerly Invitae), Labcorp
Classification: Uncertain significance for Ataxia-telangiectasia syndrome. Last evaluated: 2023-02-10. Review status: criteria provided, single submitter. Criteria: Invitae Variant Classification Sherloc (09022015). Collection method: clinical testing. Allele origin: germline.
Comment: This variant has not been reported in the literature in individuals affected with ATM-related conditions. This variant is not present in population databases (gnomAD no frequency). This sequence change replaces cysteine, which is neutral and slightly polar, with tryptophan, which is neutral and slightly polar, at codon 977 of the ATM protein (p.Cys977Trp). Algorithms developed to predict the effect of missense changes on protein structure and function are either unavailable or do not agree on the potential impact of this missense change (SIFT: "Deleterious"; PolyPhen-2: "Probably Damaging"; Align-GVGD: "Class C0"). In summary, the available evidence is currently insufficient to determine the role of this variant in disease. Therefore, it has been classified as a Variant of Uncertain Significance. This variant disrupts the p.Cys977 amino acid residue in ATM. Other variant(s) that disrupt this residue have been determined to be pathogenic (Invitae). This suggests that this residue is clinically significant, and that variants that disrupt this residue are likely to be disease-causing.